The following is an entry in ClinVar:

ClinVar aggregate classification (germline): Likely benign. Review status: reviewed by expert panel (3 of 4 stars). 3 submissions from 3 submitters: Likely benign (1). 2 of the submissions do not count toward it. Last evaluated 2024-07-11.

Conditions:
Hereditary thrombocytopenia and hematologic cancer predisposition syndrome. Identifiers: Orphanet 71290, MedGen CN281654, MONDO:0011071.
Inborn genetic diseases. Identifiers: MedGen C0950123, MeSH D030342.
Hereditary thrombocytopenia and hematological cancer predisposition syndrome associated with RUNX1. Also called: PLATELET DISORDER, ASPIRIN-LIKE; Familial Platelet Disorder with Propensity to Acute Myelogenous Leukemia; Familial thrombocytopenia with propensity to acute myelogenous leukemia; RUNX1 Familial Platelet Disorder with Associated Myeloid Malignancies. Identifiers: Orphanet 71290, MedGen C1832388, MeSH C563324, MONDO:0100083, OMIM 601399.

Allele frequency attached by ClinVar (database versions not stated): gnomAD exomes below 0.00001; TOPMed below 0.00001.
gnomAD v4.1: 4 of 1,597,692 alleles (0.00025%); highest among the groups gnomAD compares: Non-Finnish European, 0.00034%; no homozygotes.

Submissions (3):

ClinGen Myeloid Malignancy Variant Curation Expert Panel
Classification: Likely benign for Hereditary thrombocytopenia and hematologic cancer predisposition syndrome. Last evaluated: 2024-07-11. Review status: reviewed by expert panel. Criteria: ClinGen MyeloMalig ACMG Specifications v2. Collection method: curation. Allele origin: germline. Inheritance: Autosomal dominant inheritance.
Comment: NM_001754.5(RUNX1):c.1077G>A (p.Pro359=) is a synonymous variant. This variant is completely absent from all population databases with at least 20x coverage for RUNX1 in gnomAD v2.1.1 and v3.1.2 (PM2_supporting). SpliceAI predicts no impact to splicing (score: 0.00) (BP4). Evolutionary conservation algorithms predict the site as not being conserved (PhyloP score -2.875) (BP7). This variant was reported in ClinVar in 2022 by Invitae, but the affected status of the proband is unknown (Variation ID 943908). In summary, this variant meets criteria to be classified as likely benign. ACMG/AMP criteria applied, as specified by the Myeloid Malignancy Variant Curation Expert Panel for RUNX1: PM2_supporting, BP4, BP7.

Ambry Genetics
Classification: Likely benign for Inborn genetic diseases. Last evaluated: 2025-01-19. Review status: criteria provided, single submitter. Criteria: Ambry Variant Classification Scheme 2023. Collection method: clinical testing. Allele origin: germline. Not counted in ClinVar's aggregate classification.

Labcorp Genetics (formerly Invitae), Labcorp
Classification: Likely benign for Hereditary thrombocytopenia and hematological cancer predisposition syndrome associated with RUNX1. Last evaluated: 2023-12-22. Review status: criteria provided, single submitter. Criteria: Invitae Variant Classification Sherloc (09022015). Collection method: clinical testing. Allele origin: germline. Not counted in ClinVar's aggregate classification.

NM_001754.5(RUNX1):c.1077G>A (p.Pro359=)

Gene: RUNX1 (RUNX family transcription factor 1; minus strand). Cytogenetic location: 21q22.12.
Variant type: single nucleotide variant.
Coding change: c.1077G>A on transcript NM_001754.5 (MANE Select); coding-DNA position 1077, G replaced by A.
Protein change: p.Pro359=; no amino-acid change (proline 359 retained).
Molecular consequence: synonymous variant.
Genome position (GRCh38, 1-based): chr21:34,792,501, C>T on the plus strand (G>A on the coding strand, the complement: RUNX1 is on the minus strand). VCF-style: chr21-34792501-C-T. GRCh37 (hg19) VCF-style: chr21-36164798-C-T.
Other names: NM_001754.5(RUNX1):c.1077G>A; p.Pro359=; c.996G>A, p.Pro332= (NM_001001890.3).
Identifiers: ClinVar variation 943908 (VCV000943908.9), dbSNP rs2056458690, ClinGen allele CA512341325.